The following is an entry in ClinVar:

ClinVar aggregate classification (germline): Uncertain significance (1 of 4 stars; one submission).

Conditions:
Accelerated tumor formation, susceptibility to (ACTFS). Identifiers: MedGen C3280690, OMIM 614401, MONDO:0013733.

Allele frequency attached by ClinVar (database versions not stated): gnomAD exomes below 0.00001; gnomAD 0.00001.
gnomAD v4.1: 2 of 1,613,638 alleles (0.00012%); highest among the groups gnomAD compares: Non-Finnish European, 0.00017%; no homozygotes.

Submission:

Labcorp Genetics (formerly Invitae), Labcorp
Classification: Uncertain significance for Accelerated tumor formation, susceptibility to. Last evaluated: 2022-09-16. Review status: criteria provided, single submitter. Criteria: Invitae Variant Classification Sherloc (09022015). Collection method: clinical testing. Allele origin: germline.
Comment: In summary, the available evidence is currently insufficient to determine the role of this variant in disease. Therefore, it has been classified as a Variant of Uncertain Significance. Algorithms developed to predict the effect of missense changes on protein structure and function are either unavailable or do not agree on the potential impact of this missense change (SIFT: "Deleterious"; PolyPhen-2: "Probably Damaging"; Align-GVGD: "Class C15"). This variant has not been reported in the literature in individuals affected with MDM2-related conditions. This variant is present in population databases (no rsID available, gnomAD 0.007%). This sequence change replaces serine, which is neutral and polar, with phenylalanine, which is neutral and non-polar, at codon 401 of the MDM2 protein (p.Ser401Phe).

NM_002392.6(MDM2):c.1202C>T (p.Ser401Phe)

Gene: MDM2 (MDM2 proto-oncogene; plus strand). Cytogenetic location: 12q15.
Variant type: single nucleotide variant.
Coding change: c.1202C>T on transcript NM_002392.6 (MANE Select); coding-DNA position 1202, C replaced by T.
Protein change: p.Ser401Phe; replaces serine 401 with phenylalanine.
Molecular consequence: missense variant.
Genome position (GRCh38, 1-based): chr12:68,839,557, C>T. VCF-style: chr12-68839557-C-T. GRCh37 (hg19) VCF-style: chr12-69233337-C-T.
Other names: c.1043C>T, p.Ser348Phe (NM_001145337.3); c.1037C>T, p.Ser346Phe (NM_001145339.2); c.596C>T, p.Ser199Phe (NM_001145340.3); c.674C>T, p.Ser225Phe (NM_001278462.2); c.1184C>T, p.Ser395Phe (NM_001367990.1); short protein forms S199F, S346F, S225F, S348F, S395F, S401F.
Identifiers: ClinVar variation 2143363 (VCV002143363.4), dbSNP rs1293117772, ClinGen allele CA385705025.